The following is an entry in ClinVar:

ClinVar aggregate classification (germline): Benign/Likely benign. Review status: criteria provided, multiple submitters, no conflicts (2 of 4 stars). 3 submissions from 3 submitters: Benign (1); Likely benign (2). Last evaluated 2025-01-23.

Conditions:
Hereditary cancer-predisposing syndrome. Also called: Neoplastic Syndromes, Hereditary; Tumor predisposition; Hereditary neoplastic syndrome; Hereditary Cancer Syndrome. Identifiers: Orphanet 140162, MedGen C0027672, MeSH D009386, MONDO:0015356.
Lynch syndrome 4 (LYNCH4). Also called: Colorectal cancer, hereditary nonpolyposis, type 4; Hereditary non-polyposis colorectal cancer, type 4. Identifiers: Orphanet 144, MedGen C1838333, MONDO:0013699, OMIM 614337. Disease mechanism: loss of function.

Allele frequency attached by ClinVar (database versions not stated): gnomAD exomes below 0.00001.
gnomAD v4.1: 1 of 1,590,718 alleles (0.000063%); highest among the groups gnomAD compares: Non-Finnish European, 0.000086%; no homozygotes.

Submissions (3):

Myriad Genetics, Inc.
Classification: Benign for Lynch syndrome 4. Last evaluated: 2025-01-23. Review status: criteria provided, single submitter. Criteria: Myriad Autosomal Dominant, Autosomal Recessive and X-Linked Classification Criteria (2023). Collection method: clinical testing. Allele origin: unknown.
Comment: This variant is considered benign. This variant is a silent/synonymous amino acid change and it is not expected to impact splicing.

Ambry Genetics
Classification: Likely benign for Hereditary cancer-predisposing syndrome. Last evaluated: 2022-06-07. Review status: criteria provided, single submitter. Criteria: Ambry Variant Classification Scheme 2023. Collection method: clinical testing. Allele origin: germline.

Color Diagnostics, LLC DBA Color Health
Classification: Likely benign for Hereditary cancer-predisposing syndrome. Last evaluated: 2018-04-11. Review status: criteria provided, single submitter. Criteria: ACMG Guidelines, 2015. Collection method: clinical testing. Allele origin: germline.

NM_000535.7(PMS2):c.183T>C (p.Tyr61=)

Gene: PMS2 (PMS1 homolog 2, mismatch repair system component; minus strand). Cytogenetic location: 7p22.1.
Variant type: single nucleotide variant.
Coding change: c.183T>C on transcript NM_000535.7 (MANE Select); coding-DNA position 183, T replaced by C.
Protein change: p.Tyr61=; no amino-acid change (tyrosine 61 retained).
Molecular consequence: synonymous variant. On other transcripts: 5 prime UTR variant (11), non-coding transcript variant (1).
Genome position (GRCh38, 1-based): chr7:6,004,039, A>G on the plus strand (T>C on the coding strand, the complement: PMS2 is on the minus strand). VCF-style: chr7-6004039-A-G. GRCh37 (hg19) VCF-style: chr7-6043670-A-G.
Other names: c.-223T>C (NM_001322003.2, NM_001322004.2, NM_001322005.2 and 3 more transcripts); c.183T>C, p.Tyr61= (NM_001322006.2, NM_001322014.2); c.-33T>C (NM_001322007.2, NM_001322008.2); c.-702T>C (NM_001322011.2, NM_001322012.2); c.-302T>C (NM_001322015.2).
Identifiers: ClinVar variation 628165 (VCV000628165.5), dbSNP rs1562695554, ClinGen allele CA453648725.